The following is an entry in ClinVar:

ClinVar aggregate classification (germline): Uncertain significance. Review status: criteria provided, single submitter (1 of 4 stars). 2 submissions from 2 submitters: Uncertain significance (1). 1 of the submissions does not count toward it. Last evaluated 2021-08-24.

Conditions:
Duchenne muscular dystrophy (DMD). Also called: MUSCULAR DYSTROPHY, PSEUDOHYPERTROPHIC PROGRESSIVE, DUCHENNE TYPE; Duchenne Muscular Dystrophy (DMD). Identifiers: Orphanet 98896, MedGen C0013264, MONDO:0010679, OMIM 310200.
Dystrophin deficiency.
Becker muscular dystrophy (BMD). Also called: MUSCULAR DYSTROPHY, PSEUDOHYPERTROPHIC PROGRESSIVE, BECKER TYPE; Becker Muscular Dystrophy (BMD). Identifiers: Orphanet 98895, MedGen C0917713, MONDO:0010311, OMIM 300376.
Cardiomyopathy (CMYO). Also called: Cardiomyopathies. Identifiers: Orphanet 167848, MedGen C0878544, MONDO:0004994, HP:0001638. Inheritance: Various modes of inheritance.

Submissions (2):

Labcorp Genetics (formerly Invitae), Labcorp
Classification: Uncertain significance for Duchenne muscular dystrophy. Last evaluated: 2021-08-24. Review status: criteria provided, single submitter. Criteria: Invitae Variant Classification Sherloc (09022015). Collection method: clinical testing. Allele origin: germline.
Comment: This sequence change replaces histidine with arginine at codon 2110 of the DMD protein (p.His2110Arg). The histidine residue is highly conserved and there is a small physicochemical difference between histidine and arginine. This variant is not present in population databases (ExAC no frequency). This variant has not been reported in the literature in individuals affected with DMD-related conditions. Algorithms developed to predict the effect of missense changes on protein structure and function are either unavailable or do not agree on the potential impact of this missense change (SIFT: "Deleterious"; PolyPhen-2: "Benign"; Align-GVGD: "Class C0"). In summary, the available evidence is currently insufficient to determine the role of this variant in disease. Therefore, it has been classified as a Variant of Uncertain Significance.

Natera, Inc.
Classification: Uncertain significance for Becker muscular dystrophy; Cardiomyopathy; Duchenne muscular dystrophy; Dystrophin deficiency. Last evaluated: 2020-05-19. Review status: no assertion criteria provided. Collection method: clinical testing. Allele origin: germline. Not counted in ClinVar's aggregate classification.

NM_004006.3(DMD):c.6329A>G (p.His2110Arg)

Gene: DMD (dystrophin; minus strand). Cytogenetic location: Xp21.1.
Variant type: single nucleotide variant.
Coding change: c.6329A>G on transcript NM_004006.3 (MANE Select); coding-DNA position 6329, A replaced by G.
Protein change: p.His2110Arg; replaces histidine 2110 with arginine.
Molecular consequence: missense variant.
Genome position (GRCh38, 1-based): chrX:32,217,025, T>C on the plus strand (A>G on the coding strand, the complement: DMD is on the minus strand). VCF-style: chrX-32217025-T-C. GRCh37 (hg19) VCF-style: chrX-32235142-T-C.
Other names: c.6305A>G, p.His2102Arg (NM_000109.4); c.6317A>G, p.His2106Arg (NM_004009.3); c.5960A>G, p.His1987Arg (NM_004010.3); c.2306A>G, p.His769Arg (NM_004011.4); c.2297A>G, p.His766Arg (NM_004012.4); short protein forms H1987R, H2102R, H2106R, H2110R, H766R, H769R.
Identifiers: ClinVar variation 1011777 (VCV001011777.3), dbSNP rs2097114804, ClinGen allele CA412660720.